The following is an entry in ClinVar:

NM_206933.4(USH2A):c.2479A>C (p.Asn827His)

Genes: USH2A (usherin; minus strand), LOC122152296 (Sharpr-MPRA regulatory region 8762; plus strand). Cytogenetic location: 1q41.
Variant type: single nucleotide variant.
Coding change: c.2479A>C on transcript NM_206933.4 (MANE Select); coding-DNA position 2479, A replaced by C.
Protein change: p.Asn827His; replaces asparagine 827 with histidine.
Molecular consequence: missense variant.
Genome position (GRCh38, 1-based): chr1:216,246,915, T>G on the plus strand (A>C on the coding strand, the complement: USH2A is on the minus strand). VCF-style: chr1-216246915-T-G. GRCh37 (hg19) VCF-style: chr1-216420257-T-G.
Other names: c.2479A>C, p.Asn827His (NM_007123.6); short protein forms N827H.
Identifiers: ClinVar variation 229624 (VCV000229624.10), dbSNP rs876658114, ClinGen allele CA10576387.
Genomic context (GRCh38, chr1:216,246,915, plus strand): 5'-AAGGCAGACAGAGGAAAGAATTATTTTGCCGTAGGTAGAAGTTTCCCTCCAAACATTTAT[T>G]GCACTGTCTCCCTTCAACATTGGGCTTGCAGATGCACTGCCCTGTCTTAGCATTACAGAC-3'
Protein context (NP_996816.3, residues 817-837): CKPNVEGRQC[Asn827His]KCLEGNFYLR

ClinVar aggregate classification (germline): Uncertain significance. Review status: criteria provided, multiple submitters, no conflicts (2 of 4 stars). 6 submissions from 5 submitters: Uncertain significance (4). 2 of the submissions do not count toward it. Last evaluated 2023-11-04.

Conditions:
Usher syndrome type 2A. Also called: RETINAL DISEASE IN USHER SYNDROME TYPE IIA, MODIFIER OF; USHER SYNDROME, TYPE IIA. Identifiers: Orphanet 231178, Orphanet 886, MedGen C1848634, MONDO:0010169, OMIM 276901.
Retinitis pigmentosa 39 (RP39). Identifiers: Orphanet 791, MedGen C3151138, MONDO:0013436, OMIM 613809.

Allele frequency attached by ClinVar (database versions not stated): TOPMed below 0.00001; gnomAD 0.00001.
gnomAD v4.1: 3 of 1,614,060 alleles (0.00019%); highest among the groups gnomAD compares: Admixed American, 0.0017%; no homozygotes.

Submissions (6):

Genome-Nilou Lab
Classification: Uncertain significance for Retinitis pigmentosa 39. Last evaluated: 2023-11-04. Review status: criteria provided, single submitter. Criteria: ACMG Guidelines, 2015. Collection method: clinical testing. Allele origin: germline. Affected: no.

Genome-Nilou Lab
Classification: Uncertain significance for Usher syndrome type 2A. Last evaluated: 2023-11-04. Review status: criteria provided, single submitter. Criteria: ACMG Guidelines, 2015. Collection method: clinical testing. Allele origin: germline. Affected: no.

Labcorp Genetics (formerly Invitae), Labcorp
Classification: Uncertain significance. Last evaluated: 2022-04-08. Review status: criteria provided, single submitter. Criteria: Invitae Variant Classification Sherloc (09022015). Collection method: clinical testing. Allele origin: germline.
Comment: This sequence change replaces asparagine, which is neutral and polar, with histidine, which is basic and polar, at codon 827 of the USH2A protein (p.Asn827His). This variant is not present in population databases (gnomAD no frequency). This variant has not been reported in the literature in individuals affected with USH2A-related conditions. ClinVar contains an entry for this variant (Variation ID: 229624). Algorithms developed to predict the effect of missense changes on protein structure and function are either unavailable or do not agree on the potential impact of this missense change (SIFT: "Deleterious"; PolyPhen-2: "Possibly Damaging"; Align-GVGD: "Class C15"). In summary, the available evidence is currently insufficient to determine the role of this variant in disease. Therefore, it has been classified as a Variant of Uncertain Significance.

Laboratory for Molecular Medicine, Mass General Brigham Personalized Medicine
Classification: Uncertain significance. Last evaluated: 2016-01-21. Review status: criteria provided, single submitter. Criteria: LMM Criteria. Collection method: clinical testing. Allele origin: germline. Observed: 1 variant allele.
Comment: The p.Asn827His variant in USH2A has not been previously reported in individuals with hearing loss or Usher syndrome, or in large population studies. Computatio nal prediction tools and conservation analysis do not provide strong support for or against an impact to the protein. In summary, the clinical significance of t he p.Asn827His variant is uncertain.

Natera, Inc.
Classification: Uncertain significance for Usher syndrome type 2A. Last evaluated: 2020-07-14. Review status: no assertion criteria provided. Collection method: clinical testing. Allele origin: germline. Not counted in ClinVar's aggregate classification.

Counsyl
Classification: Uncertain significance for Usher syndrome type 2A; Retinitis pigmentosa 39. Last evaluated: 2018-05-15. Review status: no assertion criteria provided. Collection method: clinical testing. Allele origin: unknown. Not counted in ClinVar's aggregate classification.